The following is an entry in ClinVar:

NM_000432.4(MYL2):c.34G>T (p.Gly12Cys)

Genes: MYL2 (myosin light chain 2; minus strand), LOC114827850 (VISTA enhancer hs2149; plus strand). Cytogenetic location: 12q24.11.
Variant type: single nucleotide variant.
Coding change: c.34G>T on transcript NM_000432.4 (MANE Select); coding-DNA position 34, G replaced by T.
Protein change: p.Gly12Cys; replaces glycine 12 with cysteine.
Molecular consequence: missense variant.
Genome position (GRCh38, 1-based): chr12:110,919,163, C>A on the plus strand (G>T on the coding strand, the complement: MYL2 is on the minus strand). VCF-style: chr12-110919163-C-A. GRCh37 (hg19) VCF-style: chr12-111356967-C-A.
Other names: short protein forms G12C.
Identifiers: ClinVar variation 181416 (VCV000181416.19), dbSNP rs730880937, ClinGen allele CA010134.

ClinVar aggregate classification (germline): Uncertain significance. Review status: criteria provided, multiple submitters, no conflicts (2 of 4 stars). 5 submissions from 5 submitters: Uncertain significance (5). Last evaluated 2025-11-18.

Conditions:
Cardiovascular phenotype. Identifiers: MedGen CN230736.
Cardiomyopathy (CMYO). Also called: Cardiomyopathies. Identifiers: Orphanet 167848, MedGen C0878544, MONDO:0004994, HP:0001638. Inheritance: Various modes of inheritance.
Hypertrophic cardiomyopathy 10. Also called: CARDIOMYOPATHY, HYPERTROPHIC, MID-LEFT VENTRICULAR CHAMBER TYPE, 2; MYL2-Related Familial Hypertrophic Cardiomyopathy. Identifiers: MedGen C1834460, MONDO:0012112, OMIM 608758.
Hypertrophic cardiomyopathy. Also called: HYPERTROPHIC MYOCARDIOPATHY. Identifiers: Orphanet 217569, MedGen C0007194, MeSH D002312, MONDO:0005045, HP:0001639.

Allele frequency attached by ClinVar (database versions not stated): ExAC 0.00001; gnomAD exomes 0.00001; TOPMed 0.00001.
gnomAD v4.1: 5 of 1,613,712 alleles (0.00031%); highest among the groups gnomAD compares: Middle Eastern, 0.035%; no homozygotes.

Submissions (5):

Labcorp Genetics (formerly Invitae), Labcorp
Classification: Uncertain significance for Hypertrophic cardiomyopathy 10. Last evaluated: 2025-11-18. Review status: criteria provided, single submitter. Criteria: Invitae Variant Classification Sherloc (09022015). Collection method: clinical testing. Allele origin: germline.
Comment: This sequence change replaces glycine, which is neutral and non-polar, with cysteine, which is neutral and slightly polar, at codon 12 of the MYL2 protein (p.Gly12Cys). This variant is present in population databases (rs730880937, gnomAD 0.002%). This missense change has been observed in individual(s) with hypertrophic cardiomyopathy (PMID: 26656175). ClinVar contains an entry for this variant (Variation ID: 181416). Experimental studies and prediction algorithms are not available or were not evaluated, and the functional significance of this variant is currently unknown. In summary, the available evidence is currently insufficient to determine the role of this variant in disease. Therefore, it has been classified as a Variant of Uncertain Significance.

Color Diagnostics, LLC DBA Color Health
Classification: Uncertain significance for Cardiomyopathy. Last evaluated: 2025-06-18. Review status: criteria provided, single submitter. Criteria: ACMG Guidelines, 2015. Collection method: clinical testing. Allele origin: germline.
Comment: This missense variant replaces glycine with cysteine at codon 12 of the MYL2 protein. Computational prediction tool is inconclusive regarding the impact of this variant on protein structure and function. To our knowledge, functional studies have not been reported for this variant. This variant has been reported in an individual affected with hypertrophic cardiomyopathythis individual also carried a pathogenic truncation variant in the DSP gene (PMID: 26656175). This variant has also been reported in an individual affected with arrhythmogenic cardiomyopathythis individual was homozygous for a splicing variant in the DSG2 gene (PMID: 30453078). This variant has been identified in 2/251426 chromosomes in the general population by the Genome Aggregation Database (gnomAD). The available evidence is insufficient to determine the role of this variant in disease conclusively. Therefore, this variant is classified as a Variant of Uncertain Significance.

Ambry Genetics
Classification: Uncertain significance for Cardiovascular phenotype. Last evaluated: 2024-07-23. Review status: criteria provided, single submitter. Criteria: Ambry Variant Classification Scheme 2023. Collection method: clinical testing. Allele origin: germline.
Comment: The p.G12C variant (also known as c.34G>T), located in coding exon 2 of the MYL2 gene, results from a G to T substitution at nucleotide position 34. The glycine at codon 12 is replaced by cysteine, an amino acid with highly dissimilar properties. This variant co-occurred with a truncating variant in the DSP gene in an individual from a hypertrophic cardiomyopathy cohort, and co-occurred with a homozygous splice site variant in the DSG2 gene in an individual from an arrhythmogenic cardiomyopathy cohort (Bottillo I et al. Gene, 2016 Feb;577:227-35; Poloni G et al. Heart Rhythm, 2019 May;16:773-780). This amino acid position is highly conserved in available vertebrate species. In addition, this alteration is predicted to be deleterious by in silico analysis. Based on the available evidence, the clinical significance of this variant remains unclear.

All of Us Research Program, National Institutes of Health
Classification: Uncertain significance for Hypertrophic cardiomyopathy. Last evaluated: 2024-01-11. Review status: criteria provided, single submitter. Criteria: ACMG Guidelines, 2015. Collection method: clinical testing. Allele origin: germline. Inheritance: Autosomal dominant inheritance. Observed: 4 variant alleles, 4 heterozygotes.
Comment: This missense variant replaces glycine with cysteine at codon 12 of the MYL2 protein. Computational prediction is inconclusive regarding the impact of this variant on protein structure and function (internally defined REVEL score threshold 0.5 < inconclusive < 0.7, PMID: 27666373). To our knowledge, functional studies have not been reported for this variant. This variant has been reported in an individual affected with arrhythmogenic cardiomyopathy, who was homozygous for a splicing variant in the DSG2 gene (PMID: 30453078). This variant has been identified in 2/251426 chromosomes in the general population by the Genome Aggregation Database (gnomAD). The available evidence is insufficient to determine the role of this variant in disease conclusively. Therefore, this variant is classified as a Variant of Uncertain Significance.

This study involves interpretation of variants in research participants for the purpose of population health screening. Participant phenotype was not available at the time of variant classification. Additional details can be found in publication PMID: 35346344, PMCID: PMC8962531

CHEO Genetics Diagnostic Laboratory, Children's Hospital of Eastern Ontario
Classification: Uncertain significance for Cardiomyopathy. Last evaluated: 2021-05-07. Review status: criteria provided, single submitter. Criteria: ACMG Guidelines, 2015. Collection method: clinical testing. Allele origin: germline.

Literature cited by the submitters: PubMed 26656175 (cited by 3 submitters); PubMed 30453078 (cited by 3 submitters).